The following is an entry in ClinVar:

NM_007194.4(CHEK2):c.376G>T (p.Asp126Tyr)

Gene: CHEK2 (checkpoint kinase 2; minus strand). Cytogenetic location: 22q12.1.
Variant type: single nucleotide variant.
Coding change: c.376G>T on transcript NM_007194.4 (MANE Select); coding-DNA position 376, G replaced by T.
Protein change: p.Asp126Tyr; replaces aspartic acid 126 with tyrosine.
Molecular consequence: missense variant.
Genome position (GRCh38, 1-based): chr22:28,725,311, C>A on the plus strand (G>T on the coding strand, the complement: CHEK2 is on the minus strand). VCF-style: chr22-28725311-C-A. GRCh37 (hg19) VCF-style: chr22-29121299-C-A.
Other names: c.505G>T, p.Asp169Tyr (NM_001005735.3); c.-402G>T (NM_001257387.3); c.376G>T, p.Asp126Tyr (NM_001349956.3, NM_145862.3); short protein forms D126Y, D169Y.
Identifiers: ClinVar variation 824184 (VCV000824184.15), dbSNP rs1192210146, ClinGen allele CA411108096.

ClinVar aggregate classification (germline): Uncertain significance. Review status: criteria provided, multiple submitters, no conflicts (2 of 4 stars). 2 submissions from 2 submitters: Uncertain significance (2). Last evaluated 2019-12-14.

Conditions:
Hereditary cancer-predisposing syndrome. Also called: Neoplastic Syndromes, Hereditary; Tumor predisposition; Hereditary neoplastic syndrome; Hereditary Cancer Syndrome. Identifiers: Orphanet 140162, MedGen C0027672, MeSH D009386, MONDO:0015356.
Familial cancer of breast. Also called: BREAST CANCER, FAMILIAL; Hereditary breast cancer; hereditary breast carcinoma. Identifiers: Orphanet 227535, MedGen C0346153, MONDO:0016419, OMIM 114480. Disease mechanism: loss of function.

Submissions (2):

Labcorp Genetics (formerly Invitae), Labcorp
Classification: Uncertain significance for Familial cancer of breast. Last evaluated: 2019-12-14. Review status: criteria provided, single submitter. Criteria: Invitae Variant Classification Sherloc (09022015). Collection method: clinical testing. Allele origin: germline.
Comment: In summary, the available evidence is currently insufficient to determine the role of this variant in disease. Therefore, it has been classified as a Variant of Uncertain Significance. Algorithms developed to predict the effect of missense changes on protein structure and function (SIFT, PolyPhen-2, Align-GVGD) all suggest that this variant is likely to be disruptive, but these predictions have not been confirmed by published functional studies and their clinical significance is uncertain. This variant has not been reported in the literature in individuals with CHEK2-related conditions. This variant is not present in population databases (ExAC no frequency). This sequence change replaces aspartic acid with tyrosine at codon 126 of the CHEK2 protein (p.Asp126Tyr). The aspartic acid residue is highly conserved and there is a large physicochemical difference between aspartic acid and tyrosine.

Ambry Genetics
Classification: Uncertain significance for Hereditary cancer-predisposing syndrome. Last evaluated: 2018-09-11. Review status: criteria provided, single submitter. Criteria: Ambry Variant Classification Scheme 2023. Collection method: clinical testing. Allele origin: germline.
Comment: The p.D126Y variant (also known as c.376G>T), located in coding exon 2 of the CHEK2 gene, results from a G to T substitution at nucleotide position 376. The aspartic acid at codon 126 is replaced by tyrosine, an amino acid with highly dissimilar properties. This amino acid position is well conserved in available vertebrate species. In addition, this alteration is predicted to be deleterious by in silico analysis. Since supporting evidence is limited at this time, the clinical significance of this alteration remains unclear.